The following is an entry in ClinVar:

NM_000238.4(KCNH2):c.3251C>T (p.Pro1084Leu)

Gene: KCNH2 (potassium voltage-gated channel subfamily H member 2; minus strand). Cytogenetic location: 7q36.1.
Variant type: single nucleotide variant.
Coding change: c.3251C>T on transcript NM_000238.4 (MANE Select); coding-DNA position 3251, C replaced by T.
Protein change: p.Pro1084Leu; replaces proline 1084 with leucine.
Molecular consequence: missense variant.
Genome position (GRCh38, 1-based): chr7:150,946,956, G>A on the plus strand (C>T on the coding strand, the complement: KCNH2 is on the minus strand). VCF-style: chr7-150946956-G-A. GRCh37 (hg19) VCF-style: chr7-150644044-G-A.
Other names: c.2231C>T, p.Pro744Leu (NM_172057.3); short protein forms P1084L, P744L.
Identifiers: ClinVar variation 456925 (VCV000456925.22), dbSNP rs762510312, ClinGen allele CA038119.

ClinVar aggregate classification (germline): Conflicting classifications of pathogenicity. Review status: criteria provided, conflicting classifications (1 of 4 stars). 6 submissions from 6 submitters: Uncertain significance (5); Likely benign (1). Last evaluated 2025-11-10.

Conditions:
Cardiac arrhythmia. Also called: Arrhythmia; Cardiac rhythm disease. Identifiers: MedGen C0003811, MONDO:0007263, HP:0011675.
Cardiovascular phenotype. Identifiers: MedGen CN230736.
Long QT syndrome 2 (LQT2). Identifiers: Orphanet 101016, Orphanet 768, MedGen C3150943, MONDO:0013367, OMIM 613688.
Short QT syndrome type 1. Identifiers: Orphanet 51083, MedGen C1865020, MONDO:0012312, OMIM 609620.
Long QT syndrome (LQTS). Identifiers: MedGen C0023976, MeSH D008133, MONDO:0002442. Disease mechanism: loss of function. Inheritance: Various modes of inheritance.

Allele frequency attached by ClinVar (database versions not stated): gnomAD 0.00001 and 0.00003; TOPMed 0.00008.
gnomAD v4.1: 28 of 1,606,626 alleles (0.0017%); highest among the groups gnomAD compares: East Asian, 0.016%; no homozygotes.

Submissions (6):

Color Diagnostics, LLC DBA Color Health
Classification: Uncertain significance for Cardiac arrhythmia. Last evaluated: 2025-11-10. Review status: criteria provided, single submitter. Criteria: ACMG Guidelines, 2015. Collection method: clinical testing. Allele origin: germline.
Comment: This missense variant replaces proline with leucine at codon 1084 of the KCNH2 protein. Computational prediction suggests that this variant may not impact protein structure and function. To our knowledge, functional studies have not been reported for this variant. This variant has not been reported in individuals affected with KCNH2-related disorders in the literature. This variant has been identified in 28/1606626 chromosomes in the general population by the Genome Aggregation Database (gnomAD). The available evidence is insufficient to determine the role of this variant in disease conclusively. Therefore, this variant is classified as a Variant of Uncertain Significance.

Labcorp Genetics (formerly Invitae), Labcorp
Classification: Uncertain significance for Long QT syndrome. Last evaluated: 2025-10-20. Review status: criteria provided, single submitter. Criteria: Invitae Variant Classification Sherloc (09022015). Collection method: clinical testing. Allele origin: germline.
Comment: This sequence change replaces proline, which is neutral and non-polar, with leucine, which is neutral and non-polar, at codon 1084 of the KCNH2 protein (p.Pro1084Leu). This variant is present in population databases (rs762510312, gnomAD 0.02%). This variant has not been reported in the literature in individuals affected with KCNH2-related conditions. ClinVar contains an entry for this variant (Variation ID: 456925). An algorithm developed to predict the effect of missense changes on protein structure and function (PolyPhen-2) suggests that this variant is likely to be tolerated. In summary, the available evidence is currently insufficient to determine the role of this variant in disease. Therefore, it has been classified as a Variant of Uncertain Significance.

KardioGenetik, Herz- und Diabeteszentrum NRW
Classification: Uncertain significance for Long QT syndrome 2. Last evaluated: 2025-02-05. Review status: criteria provided, single submitter. Criteria: ACMG Guidelines, 2015. Collection method: clinical testing. Allele origin: unknown. Affected: yes. Observed: 1 variant allele.
Comment: This variant is present in population databases. It has not been reported in the literature in individuals affected with KCNH2-related conditions. (PP2)

Ambry Genetics
Classification: Likely benign for Cardiovascular phenotype. Last evaluated: 2024-06-24. Review status: criteria provided, single submitter. Criteria: Ambry Variant Classification Scheme 2023. Collection method: clinical testing. Allele origin: germline.

New York Genome Center
Classification: Uncertain significance for Long QT syndrome 2; Short QT syndrome type 1. Last evaluated: 2022-11-04. Review status: criteria provided, single submitter. Criteria: NYGC Assertion Criteria 2020. Collection method: clinical testing. Allele origin: germline. Observed: 1 heterozygote.

Breakthrough Genomics
Classification: Uncertain significance. Review status: criteria provided, single submitter. Criteria: ACMG Guidelines, 2015. Collection method: not provided. Allele origin: germline. Inheritance: Autosomal recessive inheritance. Affected: yes.